The following is an entry in ClinVar:

NM_012448.4(STAT5B):c.2064C>T (p.Cys688=)

Gene: STAT5B (signal transducer and activator of transcription 5B; minus strand). Cytogenetic location: 17q21.2.
Variant type: single nucleotide variant.
Coding change: c.2064C>T on transcript NM_012448.4 (MANE Select); coding-DNA position 2064, C replaced by T.
Protein change: p.Cys688=; no amino-acid change (cysteine 688 retained).
Molecular consequence: synonymous variant.
Genome position (GRCh38, 1-based): chr17:42,207,571, G>A on the plus strand (C>T on the coding strand, the complement: STAT5B is on the minus strand). VCF-style: chr17-42207571-G-A. GRCh37 (hg19) VCF-style: chr17-40359589-G-A.
Identifiers: ClinVar variation 1058590 (VCV001058590.9), dbSNP rs1221882000, ClinGen allele CA500057207.

ClinVar aggregate classification (germline): Uncertain significance (1 of 4 stars; one submission).

Conditions:
Growth hormone insensitivity with immune dysregulation 1, autosomal recessive. Also called: Laron syndrome with immunodeficiency; GROWTH HORMONE INSENSITIVITY SYNDROME WITH IMMUNE DYSREGULATION 1, AUTOSOMAL RECESSIVE; GROWTH HORMONE INSENSITIVITY DUE TO POSTRECEPTOR DEFECT; LARON SYNDROME DUE TO POSTRECEPTOR DEFECT. Identifiers: Orphanet 220465, MedGen C5435698, MONDO:0100211, OMIM 245590.

Submission:

Labcorp Genetics (formerly Invitae), Labcorp
Classification: Uncertain significance for Growth hormone insensitivity with immune dysregulation 1, autosomal recessive. Last evaluated: 2020-03-18. Review status: criteria provided, single submitter. Criteria: Invitae Variant Classification Sherloc (09022015). Collection method: clinical testing. Allele origin: germline.
Comment: In summary, the available evidence is currently insufficient to determine the role of this variant in disease. Therefore, it has been classified as a Variant of Uncertain Significance. Algorithms developed to predict the effect of sequence changes on RNA splicing suggest that this variant may create or strengthen a splice site, but this prediction has not been confirmed by published transcriptional studies. This variant has not been reported in the literature in individuals with STAT5B-related conditions. This variant is not present in population databases (ExAC no frequency). This sequence change affects codon 688 of the STAT5B mRNA. It is a 'silent' change, meaning that it does not change the encoded amino acid sequence of the STAT5B protein.